The following is an entry in ClinVar:

NM_001080467.3(MYO5B):c.1241G>A (p.Gly414Asp)

Gene: MYO5B (myosin VB; minus strand). Cytogenetic location: 18q21.1.
Variant type: single nucleotide variant.
Coding change: c.1241G>A on transcript NM_001080467.3 (MANE Select); coding-DNA position 1241, G replaced by A.
Protein change: p.Gly414Asp; replaces glycine 414 with aspartic acid.
Molecular consequence: missense variant.
Genome position (GRCh38, 1-based): chr18:49,974,431, C>T on the plus strand (G>A on the coding strand, the complement: MYO5B is on the minus strand). VCF-style: chr18-49974431-C-T. GRCh37 (hg19) VCF-style: chr18-47500801-C-T.
Other names: short protein forms G414D.
Identifiers: ClinVar variation 1955804 (VCV001955804.5), dbSNP rs2025722501, ClinGen allele CA402432522.

ClinVar aggregate classification (germline): Uncertain significance (1 of 4 stars; one submission).

Allele frequency attached by ClinVar (database versions not stated): gnomAD exomes below 0.00001; TOPMed below 0.00001.
gnomAD v4.1: 6 of 1,614,176 alleles (0.00037%); highest among the groups gnomAD compares: Non-Finnish European, 0.00042%; no homozygotes.

Submission:

Labcorp Genetics (formerly Invitae), Labcorp
Classification: Uncertain significance. Last evaluated: 2021-12-19. Review status: criteria provided, single submitter. Criteria: Invitae Variant Classification Sherloc (09022015). Collection method: clinical testing. Allele origin: germline.
Comment: This sequence change replaces glycine, which is neutral and non-polar, with aspartic acid, which is acidic and polar, at codon 414 of the MYO5B protein (p.Gly414Asp). This variant is not present in population databases (gnomAD no frequency). This variant has not been reported in the literature in individuals affected with MYO5B-related conditions. Algorithms developed to predict the effect of missense changes on protein structure and function (SIFT, PolyPhen-2, Align-GVGD) all suggest that this variant is likely to be tolerated. In summary, the available evidence is currently insufficient to determine the role of this variant in disease. Therefore, it has been classified as a Variant of Uncertain Significance.